The following is an entry in ClinVar:

NM_000334.4(SCN4A):c.2747A>G (p.Asn916Ser)

Genes: GH-LCR (growth hormone locus control region; plus strand), SCN4A (sodium voltage-gated channel alpha subunit 4; minus strand). Cytogenetic location: 17q23.3.
Variant type: single nucleotide variant.
Coding change: c.2747A>G on transcript NM_000334.4 (MANE Select); coding-DNA position 2747, A replaced by G.
Protein change: p.Asn916Ser; replaces asparagine 916 with serine.
Molecular consequence: missense variant.
Genome position (GRCh38, 1-based): chr17:63,951,530, T>C on the plus strand (A>G on the coding strand, the complement: SCN4A is on the minus strand). VCF-style: chr17-63951530-T-C. GRCh37 (hg19) VCF-style: chr17-62028890-T-C.
Other names: short protein forms N916S.
Identifiers: ClinVar variation 543807 (VCV000543807.7), dbSNP rs767053007, ClinGen allele CA8709509.

ClinVar aggregate classification (germline): Uncertain significance (1 of 4 stars; one submission).

Conditions:
Hyperkalemic periodic paralysis. Also called: Gamstorp disease; Familial hyperkalemic periodic paralysis. Identifiers: Orphanet 682, MedGen C0238357, MONDO:0008224, OMIM 170500, HP:0007215.

Allele frequency attached by ClinVar (database versions not stated): gnomAD exomes 0.00002 and 0.00001; ExAC 0.00002.
gnomAD v4.1: 4 of 1,613,906 alleles (0.00025%); highest among the groups gnomAD compares: Admixed American, 0.005%; no homozygotes.

Submission:

Labcorp Genetics (formerly Invitae), Labcorp
Classification: Uncertain significance for Hyperkalemic periodic paralysis. Last evaluated: 2023-09-01. Review status: criteria provided, single submitter. Criteria: Invitae Variant Classification Sherloc (09022015). Collection method: clinical testing. Allele origin: germline.
Comment: In summary, the available evidence is currently insufficient to determine the role of this variant in disease. Therefore, it has been classified as a Variant of Uncertain Significance. Advanced modeling of protein sequence and biophysical properties (such as structural, functional, and spatial information, amino acid conservation, physicochemical variation, residue mobility, and thermodynamic stability) performed at Invitae indicates that this missense variant is not expected to disrupt SCN4A protein function. ClinVar contains an entry for this variant (Variation ID: 543807). This variant has not been reported in the literature in individuals affected with SCN4A-related conditions. This variant is present in population databases (rs767053007, gnomAD 0.009%). This sequence change replaces asparagine, which is neutral and polar, with serine, which is neutral and polar, at codon 916 of the SCN4A protein (p.Asn916Ser).